The following is an entry in ClinVar:

NM_000152.5(GAA):c.1551+3_1551+6del

Gene: GAA (alpha glucosidase; plus strand). Cytogenetic location: 17q25.3.
Variant type: Deletion.
Coding change: c.1551+3_1551+6del on transcript NM_000152.5 (MANE Select); bases 3 to 6 of the intron after coding-DNA position 1551, 4 bases deleted (AAGT; older notation c.1551+3_1551+6delAAGT).
Molecular consequence: splice donor variant.
Genome position (GRCh38, 1-based): chr17:80,110,843-80,110,846, AAGT deleted; deleting any 4 consecutive bases within chr17:80,110,841-80,110,846 gives the same sequence; the c. name uses the placement nearest the transcript's 3' end. VCF-style (leftmost placement, unchanged base first): chr17-80110840-TGTAA-T. GRCh37 (hg19) VCF-style: chr17-78084639-TGTAA-T.
Other names: NM_001079804.3:c.1551+3_1551+6del; c.1551+3_1551+6del (NM_001406741.1, NM_001406742.1, NM_001079803.3 and 1 more transcripts).
Identifiers: ClinVar variation 3906936 (VCV003906936.2).

ClinVar aggregate classification (germline): Pathogenic. Review status: reviewed by expert panel (3 of 4 stars). 2 submissions from 2 submitters: Pathogenic (1). 1 of the submissions does not count toward it. Last evaluated 2025-05-20.

Conditions:
Glycogen storage disease, type II (IOPD). Also called: CARDIOMEGALIA GLYCOGENICA DIFFUSA; GLYCOGENOSIS, GENERALIZED, CARDIAC FORM; GSD II; Glycogen storage disease type 2; Acid maltase deficiency disease; Aglucosidase alfa. Identifiers: Orphanet 365, MedGen C0017921, MONDO:0009290, OMIM 232300.

Submissions (2):

ClinGen Lysosomal Storage Disorder Variant Curation Expert Panel
Classification: Pathogenic for Glycogen storage disease, type II. Last evaluated: 2025-05-20. Review status: reviewed by expert panel. Criteria: clingen_lsd_acmg_specifications_v2-1. Collection method: curation. Allele origin: germline. Inheritance: Autosomal recessive inheritance.
Comment: The NM_000152.5:c.1551+3_1551+6del variant in GAA removes four nucleotides in the donor splice region of intron 10. RT-PCR from muscle from a patient who is compound heterozygous for the variant and c.2238G>C (p.Trp746Cys), indicates that the variant results in skipping of exon 10 (PMID: 25526786), causing an in frame deletion that removes part of the GAA catalytic barrel, including two residues, Trp481 and Trp516, which are part of the active site of the enzyme (PMID 1856189; PMID 22253258; Deming et al, 2017; DOI 10.1101/212837) (PVS1). The second variant in this patient, c.2238G>C (p.Trp746Cys) (ClinVar Variation ID: 265160 has been classified as pathogenic by the ClinGen LD VCEP; the phase is unknown (0.5 points, PMID: 25526786) (PM3_Supporting). This variant is absent in gnomAD v4.1.0 (PM2_Supporting). Additional variants in the same splice region have been classified as pathogenic by the ClinGen LD VCEP including c.1551+1G>A (ClinVar Variation ID: 1065143), c.1551+1G>C (ClinVar Variation ID: 554983), and c.1551+1G>T (ClinVar Variation ID: 555986) (PS1_Supporting; PMID: 37352859). In summary, this variant meets the criteria to be classified a pathogenic for Pompe disease. GAA-specific ACMG/AMP criteria met, as specified by the ClinGen Lysosomal Diseases Variant Curation Expert Panel (Specifications version 2.0.0): PVS1, PP4_Moderate, PS1_Supporting, PM2_Supporting, PM3_Supporting. (Classification approved by the ClinGen Lysosomal Diseases variant Curation Expert Panel on May 20, 2025)

Genomenon, Inc
Classification: Pathogenic for Glycogen storage disease, type II. Last evaluated: 2026-07-01. Review status: criteria provided, single submitter. Criteria: Genomenon Sequence Variant Interpretation Standards - Updated. Collection method: curation. Allele origin: germline. Affected: yes. Not counted in ClinVar's aggregate classification.
Comment: GAA c.1551+3_1551+6del is a deletion variant that affects the donor splice region of intron 10. This variant has been observed in at least one proband with a GAA-related disorder (PMID:25526786). At least one splicing study has demonstrated that this variant results in aberrant splicing (PMID:25526786). It is absent or not present at a significant frequency in gnomAD. In conclusion, we classify GAA c.1551+3_1551+6del as a pathogenic variant.

Literature cited by the submitters: PubMed 25526786 (cited by Genomenon, Inc).